The following is an entry in ClinVar:

ClinVar aggregate classification (germline): Uncertain significance. Review status: criteria provided, multiple submitters, no conflicts (2 of 4 stars). 2 submissions from 2 submitters: Uncertain significance (2). Last evaluated 2025-02-06.

Conditions:
Congenital sideroblastic anemia-B-cell immunodeficiency-periodic fever-developmental delay syndrome. Also called: Sideroblastic anemia with B-cell immunodeficiency, periodic fevers, and developmental delay. Identifiers: Orphanet 369861, MedGen C4015172, MONDO:0014487, OMIM 616084.

Allele frequency attached by ClinVar (database versions not stated): gnomAD exomes below 0.00001; ExAC 0.00001.
gnomAD v4.1: 1 of 1,613,828 alleles (0.000062%); highest among the groups gnomAD compares: Non-Finnish European, 0.000085%; no homozygotes.

Submissions (2):

GeneDx
Classification: Uncertain significance. Last evaluated: 2025-02-06. Review status: criteria provided, single submitter. Criteria: GeneDx Variant Classification Process June 2021. Collection method: clinical testing. Allele origin: germline. Affected: yes.
Comment: Not observed at significant frequency in large population cohorts (gnomAD); In silico analysis indicates that this missense variant does not alter protein structure/function; Has not been previously published as pathogenic or benign to our knowledge

Labcorp Genetics (formerly Invitae), Labcorp
Classification: Uncertain significance for Congenital sideroblastic anemia-B-cell immunodeficiency-periodic fever-developmental delay syndrome. Last evaluated: 2024-12-09. Review status: criteria provided, single submitter. Criteria: Invitae Variant Classification Sherloc (09022015). Collection method: clinical testing. Allele origin: germline.
Comment: This sequence change replaces glutamic acid, which is acidic and polar, with aspartic acid, which is acidic and polar, at codon 423 of the TRNT1 protein (p.Glu423Asp). This variant is present in population databases (rs777580759, gnomAD 0.0009%). This variant has not been reported in the literature in individuals affected with TRNT1-related conditions. ClinVar contains an entry for this variant (Variation ID: 933361). An algorithm developed to predict the effect of missense changes on protein structure and function outputs the following: PolyPhen-2: "Benign". The aspartic acid amino acid residue is found in multiple mammalian species, which suggests that this missense change does not adversely affect protein function. In summary, the available evidence is currently insufficient to determine the role of this variant in disease. Therefore, it has been classified as a Variant of Uncertain Significance.

NM_182916.3(TRNT1):c.1269A>C (p.Glu423Asp)

Gene: TRNT1 (tRNA nucleotidyl transferase 1; plus strand). Cytogenetic location: 3p26.2.
Variant type: single nucleotide variant.
Coding change: c.1269A>C on transcript NM_182916.3 (MANE Select); coding-DNA position 1269, A replaced by C.
Protein change: p.Glu423Asp; replaces glutamic acid 423 with aspartic acid.
Molecular consequence: missense variant. On other transcripts: non-coding transcript variant (8).
Genome position (GRCh38, 1-based): chr3:3,148,118, A>C. VCF-style: chr3-3148118-A-C. GRCh37 (hg19) VCF-style: chr3-3189802-A-C.
Other names: c.1209A>C, p.Glu403Asp (NM_001302946.2); c.1269A>C, p.Glu423Asp (NM_001367321.1, NM_001367322.1, NM_001367323.1); short protein forms E403D, E423D.
Identifiers: ClinVar variation 933361 (VCV000933361.7), dbSNP rs777580759, ClinGen allele CA2228931.
Genomic context (GRCh38, chr3:3,148,118, plus strand): 5'-AATTGGGGCTCTATTACAACAGTTGCGAGAACAGTGGAAAAAAAGTGGTTACCAAATGGA[A>C]AAAGATGAACTTCTGAGTTACATAAAGAAGACCTAAAACTGATGGCTACTAAAAAGCAGA-3'
Protein context (NP_886552.3, residues 413-433): EQWKKSGYQM[Glu423Asp]KDELLSYIKK